The following is an entry in ClinVar:

NM_000222.3(KIT):c.602T>A (p.Ile201Asn)

Gene: KIT (KIT proto-oncogene, receptor tyrosine kinase; plus strand). Cytogenetic location: 4q12.
Variant type: single nucleotide variant.
Coding change: c.602T>A on transcript NM_000222.3 (MANE Select); coding-DNA position 602, T replaced by A.
Protein change: p.Ile201Asn; replaces isoleucine 201 with asparagine.
Molecular consequence: missense variant.
Genome position (GRCh38, 1-based): chr4:54,698,548, T>A. VCF-style: chr4-54698548-T-A. GRCh37 (hg19) VCF-style: chr4-55564714-T-A.
Other names: c.602T>A, p.Ile201Asn (NM_001093772.2, NM_001385284.1, NM_001385285.1 and 4 more transcripts); short protein forms I201N.
Identifiers: ClinVar variation 940952 (VCV000940952.11), dbSNP rs1720239362, ClinGen allele CA356898090.

ClinVar aggregate classification (germline): Uncertain significance. Review status: criteria provided, multiple submitters, no conflicts (2 of 4 stars). 2 submissions from 2 submitters: Uncertain significance (2). Last evaluated 2025-07-08.

Conditions:
Hereditary cancer-predisposing syndrome. Also called: Hereditary neoplastic syndrome; Neoplastic Syndromes, Hereditary; Hereditary Cancer Syndrome; Tumor predisposition. Identifiers: Orphanet 140162, MedGen C0027672, MeSH D009386, MONDO:0015356.
Gastrointestinal stromal tumor. Also called: Gastrointestinal stromal tumor, somatic; Gastrointestinal stroma tumor. Identifiers: Orphanet 44890, MedGen C0238198, MeSH D046152, MONDO:0011719, OMIM 606764, HP:0100723.

Allele frequency attached by ClinVar (database versions not stated): gnomAD exomes below 0.00001.
gnomAD v4.1: 1 of 1,614,148 alleles (0.000062%); highest among the groups gnomAD compares: Non-Finnish European, 0.000085%; no homozygotes.

Submissions (2):

Labcorp Genetics (formerly Invitae), Labcorp
Classification: Uncertain significance for Gastrointestinal stromal tumor. Last evaluated: 2025-07-08. Review status: criteria provided, single submitter. Criteria: Invitae Variant Classification Sherloc (09022015). Collection method: clinical testing. Allele origin: germline.
Comment: This sequence change replaces isoleucine, which is neutral and non-polar, with asparagine, which is neutral and polar, at codon 201 of the KIT protein (p.Ile201Asn). This variant is not present in population databases (gnomAD no frequency). This variant has not been reported in the literature in individuals affected with KIT-related conditions. ClinVar contains an entry for this variant (Variation ID: 940952). An algorithm developed to predict the effect of missense changes on protein structure and function (PolyPhen-2) suggests that this variant is likely to be tolerated. In summary, the available evidence is currently insufficient to determine the role of this variant in disease. Therefore, it has been classified as a Variant of Uncertain Significance.

Ambry Genetics
Classification: Uncertain significance for Hereditary cancer-predisposing syndrome. Last evaluated: 2024-08-28. Review status: criteria provided, single submitter. Criteria: Ambry Variant Classification Scheme 2023. Collection method: clinical testing. Allele origin: germline.
Comment: The p.I201N variant (also known as c.602T>A), located in coding exon 3 of the KIT gene, results from a T to A substitution at nucleotide position 602. The isoleucine at codon 201 is replaced by asparagine, an amino acid with dissimilar properties. This amino acid position is conserved. In addition, this alteration is predicted to be tolerated by in silico analysis. Based on the available evidence, the clinical significance of this variant remains unclear.